The following is an entry in ClinVar:

NM_002226.5(JAG2):c.2952+6G>A

Gene: JAG2 (jagged canonical Notch ligand 2; minus strand). Cytogenetic location: 14q32.33.
Variant type: single nucleotide variant.
Coding change: c.2952+6G>A on transcript NM_002226.5 (MANE Select); 6 bases into the intron after coding-DNA position 2952, G replaced by A.
Molecular consequence: intron variant.
Genome position (GRCh38, 1-based): chr14:105,145,725, C>T on the plus strand (G>A on the coding strand, the complement: JAG2 is on the minus strand). VCF-style: chr14-105145725-C-T. GRCh37 (hg19) VCF-style: chr14-105612062-C-T.
Other names: c.2838+6G>A (NM_145159.3).
Identifiers: ClinVar variation 3051333 (VCV003051333.3), dbSNP rs375550242, ClinGen allele CA7385405.
Genomic context (GRCh38, chr14:105,145,725, plus strand): 5'-TCGCCATGCCACGAGCAGATGCCGGCGTGTGGCCTCTGCAAGCTCAGATGCCACCAGGCC[C>T]CTCACCTGGGGCACGTGGTCACGGTTGAAATGCAAGGTGAGGCGGGCACAGTTATTGTCC-3'

ClinVar aggregate classification (germline): Likely benign. Review status: criteria provided, single submitter (1 of 4 stars). 2 submissions from 2 submitters: Likely benign (1). 1 of the submissions does not count toward it. Last evaluated 2024-04-08.

Conditions:
JAG2-related disorder. Also called: JAG2-related condition.

Allele frequency attached by ClinVar (database versions not stated): ESP Exome Variant Server 0.00023.

Submissions (2):

Blueprint Genetics
Classification: Likely benign. Last evaluated: 2024-04-08. Review status: criteria provided, single submitter. Criteria: ACMG Guidelines, 2015. Collection method: clinical testing. Allele origin: germline.

PreventionGenetics, part of Exact Sciences
Classification: Likely benign for JAG2-related condition. Last evaluated: 2021-06-29. Review status: no assertion criteria provided. Collection method: clinical testing. Allele origin: germline. Not counted in ClinVar's aggregate classification.
Comment: This variant is classified as likely benign based on ACMG/AMP sequence variant interpretation guidelines (Richards et al. 2015 PMID: 25741868, with internal and published modifications).